The following is an entry in ClinVar:

ClinVar aggregate classification (germline): Likely benign. Review status: criteria provided, multiple submitters, no conflicts (2 of 4 stars). 2 submissions from 2 submitters: Likely benign (2). Last evaluated 2024-09-21.

Allele frequency attached by ClinVar (database versions not stated): ExAC 0.00012; gnomAD 0.00015; TOPMed 0.00015; 1000 Genomes Project 30x 0.00016; 1000 Genomes Project 0.00020; ESP Exome Variant Server 0.00023.

Submissions (2):

Blueprint Genetics
Classification: Likely benign. Last evaluated: 2024-09-21. Review status: criteria provided, single submitter. Criteria: ACMG Guidelines, 2015. Collection method: clinical testing. Allele origin: germline.

CeGaT Center for Human Genetics Tuebingen
Classification: Likely benign. Last evaluated: 2023-01-01. Review status: criteria provided, single submitter. Criteria: CeGaT Center For Human Genetics Tuebingen Variant Classification Criteria Version 2. Collection method: clinical testing. Allele origin: germline. Affected: yes. Observed: 2 variant alleles.
Comment: PSMD12: BP4, BP7

NM_002816.5(PSMD12):c.429G>A (p.Ala143=)

Gene: PSMD12 (proteasome 26S subunit, non-ATPase 12; minus strand). Cytogenetic location: 17q24.2.
Variant type: single nucleotide variant.
Coding change: c.429G>A on transcript NM_002816.5 (MANE Select); coding-DNA position 429, G replaced by A.
Protein change: p.Ala143=; no amino-acid change (alanine 143 retained).
Molecular consequence: synonymous variant.
Genome position (GRCh38, 1-based): chr17:67,348,631, C>T on the plus strand (G>A on the coding strand, the complement: PSMD12 is on the minus strand). VCF-style: chr17-67348631-C-T. GRCh37 (hg19) VCF-style: chr17-65344747-C-T.
Other names: c.252G>A, p.Ala84= (NM_001316341.2); c.369G>A, p.Ala123= (NM_174871.4).
Identifiers: ClinVar variation 2648119 (VCV002648119.25), dbSNP rs200505374, ClinGen allele CA8723751.
Genomic context (GRCh38, chr17:67,348,631, plus strand): 5'-GGCTGCCTCTTTCACATCACCATTTTGTTCTTTTATAGTTGCTAATGTTTTAGTCAGTCG[C>T]GCACGCTCAATTTCAACATAAATCTACAAATGAGAAATTTACACAATCAAAATTCCATGG-3'
Protein context (NP_002807.1, residues 133-153): EGKIYVEIER[Ala143=]RLTKTLATIK